The following is an entry in ClinVar:

NM_004656.4(BAP1):c.1365C>T (p.Ser455=)

Gene: BAP1 (BRCA1 associated deubiquitinase 1; minus strand). Cytogenetic location: 3p21.1.
Variant type: single nucleotide variant.
Coding change: c.1365C>T on transcript NM_004656.4 (MANE Select); coding-DNA position 1365, C replaced by T.
Protein change: p.Ser455=; no amino-acid change (serine 455 retained).
Molecular consequence: synonymous variant.
Genome position (GRCh38, 1-based): chr3:52,403,780, G>A on the plus strand (C>T on the coding strand, the complement: BAP1 is on the minus strand). VCF-style: chr3-52403780-G-A. GRCh37 (hg19) VCF-style: chr3-52437796-G-A.
Other names: c.1365C>T (NM_004656.3, NM_004656.2).
Identifiers: ClinVar variation 1152823 (VCV001152823.13), dbSNP rs1418845673, ClinGen allele CA433886368.
Genomic context (GRCh38, chr3:52,403,780, plus strand): 5'-AGCCGGACTCCCAGCCCCGCTGCTAGTCTTGATGGACAGAGGAATTGAGAGGTCCTTCTG[G>A]GACTCTTTGAGCTTCTCAGCCAAGACGTTGATGGTGTTGGGCTGCAGCACTGACAGTTGC-3'
Protein context (NP_004647.1, residues 445-465): INVLAEKLKE[Ser455=]QKDLSIPLSI

ClinVar aggregate classification (germline): Benign/Likely benign. Review status: criteria provided, multiple submitters, no conflicts (2 of 4 stars). 6 submissions from 6 submitters: Benign (1); Likely benign (5). Last evaluated 2026-08-31.

Conditions:
BAP1-related tumor predisposition syndrome (TPDS1). Also called: BAP1 tumor predisposition syndrome; Tumor susceptibility linked to germline BAP1 mutations; COMMON Syndrome; TUMOR PREDISPOSITION SYNDROME 1. Identifiers: Orphanet 289539, MedGen C3280492, MONDO:0013692, OMIM 614327.
BAP1-related disorder. Also called: BAP1-related condition.
Hereditary cancer-predisposing syndrome. Also called: Hereditary neoplastic syndrome; Hereditary Cancer Syndrome; Tumor predisposition; Neoplastic Syndromes, Hereditary. Identifiers: Orphanet 140162, MedGen C0027672, MeSH D009386, MONDO:0015356.

Allele frequency attached by ClinVar (database versions not stated): gnomAD exomes below 0.00001; TOPMed below 0.00001.
gnomAD v4.1: 6 of 1,614,072 alleles (0.00037%); highest among the groups gnomAD compares: Non-Finnish European, 0.00051%; no homozygotes.

Submissions (6):

PreventionGenetics, part of Exact Sciences
Classification: Likely benign for BAP1-related condition. Last evaluated: 2026-08-31. Review status: criteria provided, single submitter. Criteria: ACMG Guidelines, 2015. Collection method: clinical testing. Allele origin: germline.
Comment: This variant is classified as likely benign based on ACMG/AMP sequence variant interpretation guidelines (Richards et al. 2015 PMID: 25741868, with internal and published modifications).

Labcorp Genetics (formerly Invitae), Labcorp
Classification: Likely benign for BAP1-related tumor predisposition syndrome. Last evaluated: 2025-08-25. Review status: criteria provided, single submitter. Criteria: Invitae Variant Classification Sherloc (09022015). Collection method: clinical testing. Allele origin: germline.

Color Diagnostics, LLC DBA Color Health
Classification: Likely benign for Hereditary cancer-predisposing syndrome. Last evaluated: 2024-10-15. Review status: criteria provided, single submitter. Criteria: ACMG Guidelines, 2015. Collection method: clinical testing. Allele origin: germline.

Blueprint Genetics
Classification: Likely benign. Last evaluated: 2024-09-03. Review status: criteria provided, single submitter. Criteria: ACMG Guidelines, 2015. Collection method: clinical testing. Allele origin: germline.

Myriad Genetics, Inc.
Classification: Benign for BAP1-related tumor predisposition syndrome. Last evaluated: 2024-07-16. Review status: criteria provided, single submitter. Criteria: Myriad Autosomal Dominant, Autosomal Recessive and X-Linked Classification Criteria (2023). Collection method: clinical testing. Allele origin: unknown.
Comment: This variant is considered benign. This variant is a silent/synonymous amino acid change and it is not expected to impact splicing.

Ambry Genetics
Classification: Likely benign for Hereditary cancer-predisposing syndrome. Last evaluated: 2023-05-09. Review status: criteria provided, single submitter. Criteria: Ambry Variant Classification Scheme 2023. Collection method: clinical testing. Allele origin: germline.